The following is an entry in ClinVar:

ClinVar aggregate classification (germline): Uncertain significance (1 of 4 stars; one submission).

Conditions:
Hereditary hemorrhagic telangiectasia (HHT). Also called: Osler hemorrhagic telangiectasia syndrome; ORW DISEASE; Osler Weber Rendu syndrome; OSLER-RENDU-WEBER DISEASE. Identifiers: Orphanet 774, MedGen C0039445, MONDO:0019180. Disease mechanism: loss of function.

Submission:

Labcorp Genetics (formerly Invitae), Labcorp
Classification: Uncertain significance for Hereditary hemorrhagic telangiectasia. Last evaluated: 2020-10-24. Review status: criteria provided, single submitter. Criteria: Invitae Variant Classification Sherloc (09022015). Collection method: clinical testing. Allele origin: germline.
Comment: This sequence change replaces aspartic acid with asparagine at codon 446 of the ENG protein (p.Asp446Asn). The aspartic acid residue is weakly conserved and there is a small physicochemical difference between aspartic acid and asparagine. This variant is not present in population databases (ExAC no frequency). This variant has not been reported in the literature in individuals with ENG-related conditions. Advanced modeling of protein sequence and biophysical properties (such as structural, functional, and spatial information, amino acid conservation, physicochemical variation, residue mobility, and thermodynamic stability) performed at Invitae indicates that this missense variant is not expected to disrupt ENG protein function. In summary, the available evidence is currently insufficient to determine the role of this variant in disease. Therefore, it has been classified as a Variant of Uncertain Significance.

NM_001114753.3(ENG):c.1336G>A (p.Asp446Asn)

Genes: ENG (endoglin; minus strand), LOC102723566 (uncharacterized LOC102723566; plus strand). Cytogenetic location: 9q34.11.
Variant type: single nucleotide variant.
Coding change: c.1336G>A on transcript NM_001114753.3 (MANE Select); coding-DNA position 1336, G replaced by A.
Protein change: p.Asp446Asn; replaces aspartic acid 446 with asparagine.
Molecular consequence: missense variant.
Genome position (GRCh38, 1-based): chr9:127,818,808, C>T on the plus strand (G>A on the coding strand, the complement: ENG is on the minus strand). VCF-style: chr9-127818808-C-T. GRCh37 (hg19) VCF-style: chr9-130581087-C-T.
Other names: c.1336G>A, p.Asp446Asn (NM_000118.4); c.790G>A, p.Asp264Asn (NM_001278138.2); short protein forms D264N, D446N.
Identifiers: ClinVar variation 1026510 (VCV001026510.10), dbSNP rs1830399300, ClinGen allele CA374977760.